The following is an entry in ClinVar:

NM_033026.6(PCLO):c.12883C>A (p.Pro4295Thr)

Gene: PCLO (piccolo presynaptic cytomatrix protein; minus strand). Cytogenetic location: 7q21.11.
Variant type: single nucleotide variant.
Coding change: c.12883C>A on transcript NM_033026.6 (MANE Select); coding-DNA position 12883, C replaced by A.
Protein change: p.Pro4295Thr; replaces proline 4295 with threonine.
Molecular consequence: missense variant.
Genome position (GRCh38, 1-based): chr7:82,915,103, G>T on the plus strand (C>A on the coding strand, the complement: PCLO is on the minus strand). VCF-style: chr7-82915103-G-T. GRCh37 (hg19) VCF-style: chr7-82544419-G-T.
Other names: c.12883C>A (NM_033026.5); c.12883C>A, p.Pro4295Thr (NM_014510.3); short protein forms P4295T.
Identifiers: ClinVar variation 2104233 (VCV002104233.5), dbSNP rs548351524, ClinGen allele CA161120892.

ClinVar aggregate classification (germline): Uncertain significance. Review status: criteria provided, multiple submitters, no conflicts (2 of 4 stars). 2 submissions from 2 submitters: Uncertain significance (2). Last evaluated 2025-10-29.

Conditions:
Inborn genetic diseases. Identifiers: MedGen C0950123, MeSH D030342.

Allele frequency attached by ClinVar (database versions not stated): gnomAD 0.00001.
gnomAD v4.1: 1 of 1,595,750 alleles (0.000063%); highest among the groups gnomAD compares: Admixed American, 0.0018%; no homozygotes.

Submissions (2):

Ambry Genetics
Classification: Uncertain significance for Inborn genetic diseases. Last evaluated: 2025-10-29. Review status: criteria provided, single submitter. Criteria: Ambry Variant Classification Scheme 2023. Collection method: clinical testing. Allele origin: germline.

Labcorp Genetics (formerly Invitae), Labcorp
Classification: Uncertain significance. Last evaluated: 2022-11-12. Review status: criteria provided, single submitter. Criteria: Invitae Variant Classification Sherloc (09022015). Collection method: clinical testing. Allele origin: germline.
Comment: This sequence change replaces proline, which is neutral and non-polar, with threonine, which is neutral and polar, at codon 4295 of the PCLO protein (p.Pro4295Thr). This variant is not present in population databases (gnomAD no frequency). This variant has not been reported in the literature in individuals affected with PCLO-related conditions. Algorithms developed to predict the effect of missense changes on protein structure and function are either unavailable or do not agree on the potential impact of this missense change (SIFT: "Deleterious"; PolyPhen-2: "Not Available"; Align-GVGD: "Class C0"). In summary, the available evidence is currently insufficient to determine the role of this variant in disease. Therefore, it has been classified as a Variant of Uncertain Significance.